The following is an entry in ClinVar:

ClinVar aggregate classification (germline): Uncertain significance. Review status: criteria provided, multiple submitters, no conflicts (2 of 4 stars). 3 submissions from 3 submitters: Uncertain significance (2). 1 of the submissions does not count toward it. Last evaluated 2024-04-26.

Conditions:
Inborn genetic diseases. Identifiers: MedGen C0950123, MeSH D030342.
Autosomal recessive limb-girdle muscular dystrophy type 2D (LGMDR3). Also called: MUSCULAR DYSTROPHY, LIMB-GIRDLE, AUTOSOMAL RECESSIVE 3; DUCHENNE-LIKE AUTOSOMAL RECESSIVE MUSCULAR DYSTROPHY, TYPE 2; ADHALINOPATHY, PRIMARY. Identifiers: Orphanet 62, MedGen C2936332, MONDO:0011968, OMIM 608099. Disease mechanism: Affects gamma-sarcoglycan and also disrupts the integrity of the entire sarcoglycan complex..

Allele frequency attached by ClinVar (database versions not stated): gnomAD exomes below 0.00001.

Submissions (3):

Ambry Genetics
Classification: Uncertain significance for Inborn genetic diseases. Last evaluated: 2024-04-26. Review status: criteria provided, single submitter. Criteria: Ambry Variant Classification Scheme 2023. Collection method: clinical testing. Allele origin: germline.

Labcorp Genetics (formerly Invitae), Labcorp
Classification: Uncertain significance for Autosomal recessive limb-girdle muscular dystrophy type 2D. Last evaluated: 2021-08-24. Review status: criteria provided, single submitter. Criteria: Invitae Variant Classification Sherloc (09022015). Collection method: clinical testing. Allele origin: germline.
Comment: This sequence change replaces aspartic acid with glutamic acid at codon 323 of the SGCA protein (p.Asp323Glu). The aspartic acid residue is moderately conserved and there is a small physicochemical difference between aspartic acid and glutamic acid. This variant is not present in population databases (ExAC no frequency). This variant has not been reported in the literature in individuals affected with SGCA-related conditions. Algorithms developed to predict the effect of missense changes on protein structure and function (SIFT, PolyPhen-2, Align-GVGD) all suggest that this variant is likely to be tolerated. In summary, the available evidence is currently insufficient to determine the role of this variant in disease. Therefore, it has been classified as a Variant of Uncertain Significance.

Natera, Inc.
Classification: Uncertain significance for Limb-girdle muscular dystrophy type 2D. Last evaluated: 2021-01-15. Review status: no assertion criteria provided. Collection method: clinical testing. Allele origin: germline. Not counted in ClinVar's aggregate classification.

NM_000023.4(SGCA):c.969C>A (p.Asp323Glu)

Gene: SGCA (sarcoglycan alpha; plus strand). Cytogenetic location: 17q21.33.
Variant type: single nucleotide variant.
Coding change: c.969C>A on transcript NM_000023.4 (MANE Select); coding-DNA position 969, C replaced by A.
Protein change: p.Asp323Glu; replaces aspartic acid 323 with glutamic acid.
Molecular consequence: missense variant. On other transcripts: non-coding transcript variant (1).
Genome position (GRCh38, 1-based): chr17:50,170,652, C>A. VCF-style: chr17-50170652-C-A. GRCh37 (hg19) VCF-style: chr17-48248013-C-A.
Other names: c.969C>A (NM_000023.2); c.597C>A, p.Asp199Glu (NM_001135697.3); short protein forms D199E, D323E.
Identifiers: ClinVar variation 1059486 (VCV001059486.10), dbSNP rs1309107612, ClinGen allele CA400182357.
Genomic context (GRCh38, chr17:50,170,652, plus strand): 5'-GGGGCGAAACCCAGAGCTGGGCTAACCCTCTCCTTCACTTTTCCACAGGCTGAAGAGAGA[C>A]CTGGCTACCTCCGAGTGAGTAAAGGAAAGCTGGGGGTGGGGTGGGAGCCCACCTAGACAG-3'
Protein context (NP_000014.1, residues 313-333): CCRREGRLKR[Asp323Glu]LATSDIQMVH